The following is an entry in ClinVar:

NM_032776.3(JMJD1C):c.4715G>A (p.Gly1572Glu)

Gene: JMJD1C (jumonji domain containing 1C; minus strand). Cytogenetic location: 10q21.3.
Variant type: single nucleotide variant.
Coding change: c.4715G>A on transcript NM_032776.3 (MANE Select); coding-DNA position 4715, G replaced by A.
Protein change: p.Gly1572Glu; replaces glycine 1572 with glutamic acid.
Molecular consequence: missense variant. On other transcripts: non-coding transcript variant (1).
Genome position (GRCh38, 1-based): chr10:63,206,954, C>T on the plus strand (G>A on the coding strand, the complement: JMJD1C is on the minus strand). VCF-style: chr10-63206954-C-T. GRCh37 (hg19) VCF-style: chr10-64966714-C-T.
Other names: c.4169G>A, p.Gly1390Glu (NM_001282948.2, NM_001318154.2); c.3851G>A, p.Gly1284Glu (NM_001318153.2); c.4601G>A, p.Gly1534Glu (NM_001322252.2); c.4058G>A, p.Gly1353Glu (NM_001322254.2, NM_001322258.2); short protein forms G1390E, G1534E, G1284E, G1353E, G1572E.
Identifiers: ClinVar variation 1904266 (VCV001904266.5), dbSNP rs772465112, ClinGen allele CA5518224.

ClinVar aggregate classification (germline): Uncertain significance (1 of 4 stars; one submission).

Conditions:
Early Myoclonic Encephalopathy. Identifiers: MedGen C0270855.

Allele frequency attached by ClinVar (database versions not stated): ExAC 0.00002; gnomAD 0.00001; gnomAD exomes 0.00001.
gnomAD v4.1: 22 of 1,611,882 alleles (0.0014%); highest among the groups gnomAD compares: South Asian, 0.023%; 1 homozygote.

Submission:

Labcorp Genetics (formerly Invitae), Labcorp
Classification: Uncertain significance for Early Myoclonic Encephalopathy. Last evaluated: 2022-05-27. Review status: criteria provided, single submitter. Criteria: Invitae Variant Classification Sherloc (09022015). Collection method: clinical testing. Allele origin: germline.
Comment: Algorithms developed to predict the effect of missense changes on protein structure and function are either unavailable or do not agree on the potential impact of this missense change (SIFT: "Deleterious"; PolyPhen-2: "Benign"; Align-GVGD: "Class C0"). In summary, the available evidence is currently insufficient to determine the role of this variant in disease. Therefore, it has been classified as a Variant of Uncertain Significance. This variant is present in population databases (rs772465112, gnomAD 0.02%). This variant has not been reported in the literature in individuals affected with JMJD1C-related conditions. This sequence change replaces glycine, which is neutral and non-polar, with glutamic acid, which is acidic and polar, at codon 1572 of the JMJD1C protein (p.Gly1572Glu).